The following is an entry in ClinVar:

NM_024928.5(STN1):c.19C>T (p.Arg7Trp)

Gene: STN1 (STN1 subunit of CST complex; minus strand). Cytogenetic location: 10q24.33.
Variant type: single nucleotide variant.
Coding change: c.19C>T on transcript NM_024928.5 (MANE Select); coding-DNA position 19, C replaced by T.
Protein change: p.Arg7Trp; replaces arginine 7 with tryptophan.
Molecular consequence: missense variant.
Genome position (GRCh38, 1-based): chr10:103,917,576, G>A on the plus strand (C>T on the coding strand, the complement: STN1 is on the minus strand). VCF-style: chr10-103917576-G-A. GRCh37 (hg19) VCF-style: chr10-105677334-G-A.
Other names: c.19C>T (NM_024928.4); short protein forms R7W.
Identifiers: ClinVar variation 1016833 (VCV001016833.6), dbSNP rs746529543, ClinGen allele CA5676752.
Genomic context (GRCh38, chr10:103,917,576, plus strand): 5'-CAAAGGCTAGAAACACAGGATCCAAACCCCACAAGAGGGAAGGGGTCTCCTCTTCACACC[G>A]GCTGGATCCAGGCTGCATCAAGAGGCAGGGCTGTGGCTTCCAGCTAACTCTGAAAGGTTC-3'
Protein context (NP_079204.2, residues 1-17): MQPGSS[Arg7Trp]CEEETPSLLW

ClinVar aggregate classification (germline): Uncertain significance. Review status: criteria provided, multiple submitters, no conflicts (2 of 4 stars). 3 submissions from 3 submitters: Uncertain significance (3). Last evaluated 2025-02-05.

Conditions:
Inborn genetic diseases. Identifiers: MedGen C0950123, MeSH D030342.
Cerebroretinal microangiopathy with calcifications and cysts 2 (CRMCC2). Identifiers: MedGen C4479220, MONDO:0015026, OMIM 617341.

Allele frequency attached by ClinVar (database versions not stated): gnomAD exomes 0.00006 and 0.00021; TOPMed 0.00010; gnomAD 0.00011 and 0.00012; ExAC 0.00017.

Submissions (3):

St. Jude Molecular Pathology, St. Jude Children's Research Hospital
Classification: Uncertain significance for Cerebroretinal microangiopathy with calcifications and cysts 2. Last evaluated: 2025-02-05. Review status: criteria provided, single submitter. Criteria: St. Jude Assertion Criteria 2020. Collection method: clinical testing. Allele origin: germline.
Comment: The STN1 c.19C>T (p.Arg7Trp) missense change has a maximum subpopulation frequency of 0.15% in gnomAD v2.1.1, including one homozygote. The in silico tool REVEL predicts a benign effect on protein function, but to our knowledge this prediction has not been confirmed by functional studies. To our knowledge, this variant has not been reported in the literature in individuals with STN1-related disease. In summary, the evidence currently available is insufficient to determine the clinical significance of this variant. It has therefore been classified as of uncertain significance.

Labcorp Genetics (formerly Invitae), Labcorp
Classification: Uncertain significance. Last evaluated: 2023-12-30. Review status: criteria provided, single submitter. Criteria: Invitae Variant Classification Sherloc (09022015). Collection method: clinical testing. Allele origin: germline.
Comment: This sequence change replaces arginine, which is basic and polar, with tryptophan, which is neutral and slightly polar, at codon 7 of the STN1 protein (p.Arg7Trp). This variant is present in population databases (rs746529543, gnomAD 0.2%). This variant has not been reported in the literature in individuals affected with STN1-related conditions. ClinVar contains an entry for this variant (Variation ID: 1016833). Algorithms developed to predict the effect of missense changes on protein structure and function output the following: SIFT: "Not Available"; PolyPhen-2: "Benign"; Align-GVGD: "Not Available". The tryptophan amino acid residue is found in multiple mammalian species, which suggests that this missense change does not adversely affect protein function. In summary, the available evidence is currently insufficient to determine the role of this variant in disease. Therefore, it has been classified as a Variant of Uncertain Significance.

Ambry Genetics
Classification: Uncertain significance for Inborn genetic diseases. Last evaluated: 2021-09-17. Review status: criteria provided, single submitter. Criteria: Ambry Variant Classification Scheme 2023. Collection method: clinical testing. Allele origin: germline.